The following is an entry in ClinVar:

NM_005045.4(RELN):c.2456A>G (p.His819Arg)

Gene: RELN (reelin; minus strand). Cytogenetic location: 7q22.1.
Variant type: single nucleotide variant.
Coding change: c.2456A>G on transcript NM_005045.4 (MANE Select); coding-DNA position 2456, A replaced by G.
Protein change: p.His819Arg; replaces histidine 819 with arginine.
Molecular consequence: missense variant.
Genome position (GRCh38, 1-based): chr7:103,635,434, T>C on the plus strand (A>G on the coding strand, the complement: RELN is on the minus strand). VCF-style: chr7-103635434-T-C. GRCh37 (hg19) VCF-style: chr7-103275881-T-C.
Other names: c.2456A>G, p.His819Arg (NM_173054.3); c.2456A>G (NM_005045.3); short protein forms H819R.
Identifiers: ClinVar variation 3762145 (VCV003762145.3).

ClinVar aggregate classification (germline): Uncertain significance. Review status: criteria provided, multiple submitters, no conflicts (2 of 4 stars). 2 submissions from 2 submitters: Uncertain significance (2). Last evaluated 2025-11-06.

Conditions:
Norman-Roberts syndrome (LIS2). Also called: Lissencephaly 2 (Norman-Roberts type). Identifiers: Orphanet 89844, MedGen C0796089, MONDO:0009760, OMIM 257320.
Familial temporal lobe epilepsy 7. Identifiers: Orphanet 101046, MedGen C4225327, MONDO:0014639, OMIM 616436.
Inborn genetic diseases. Identifiers: MedGen C0950123, MeSH D030342.

gnomAD v4.1: 8 of 1,613,838 alleles (0.0005%); highest among the groups gnomAD compares: Non-Finnish European, 0.00068%; no homozygotes.

Submissions (2):

Ambry Genetics
Classification: Uncertain significance for Inborn genetic diseases. Last evaluated: 2025-11-06. Review status: criteria provided, single submitter. Criteria: Ambry Variant Classification Scheme 2023. Collection method: clinical testing. Allele origin: germline.

Labcorp Genetics (formerly Invitae), Labcorp
Classification: Uncertain significance for Familial temporal lobe epilepsy 7; Norman-Roberts syndrome. Last evaluated: 2025-09-16. Review status: criteria provided, single submitter. Criteria: Invitae Variant Classification Sherloc (09022015). Collection method: clinical testing. Allele origin: germline.
Comment: This sequence change replaces histidine, which is basic and polar, with arginine, which is basic and polar, at codon 819 of the RELN protein (p.His819Arg). This variant is present in population databases (no rsID available, gnomAD 0.03%). This variant has not been reported in the literature in individuals affected with RELN-related conditions. ClinVar contains an entry for this variant (Variation ID: 3762145). Invitae Evidence Modeling of protein sequence and biophysical properties (such as structural, functional, and spatial information, amino acid conservation, physicochemical variation, residue mobility, and thermodynamic stability) indicates that this missense variant is not expected to disrupt RELN protein function with a negative predictive value of 80%. In summary, the available evidence is currently insufficient to determine the role of this variant in disease. Therefore, it has been classified as a Variant of Uncertain Significance.